The following is an entry in ClinVar:

NM_001122752.2(SERPINI1):c.575C>T (p.Ser192Leu)

Gene: SERPINI1 (serpin family I member 1; plus strand). Cytogenetic location: 3q26.1.
Variant type: single nucleotide variant.
Coding change: c.575C>T on transcript NM_001122752.2 (MANE Select); coding-DNA position 575, C replaced by T.
Protein change: p.Ser192Leu; replaces serine 192 with leucine.
Molecular consequence: missense variant.
Genome position (GRCh38, 1-based): chr3:167,792,683, C>T. VCF-style: chr3-167792683-C-T. GRCh37 (hg19) VCF-style: chr3-167510471-C-T.
Other names: c.575C>T, p.Ser192Leu (NM_005025.5); short protein forms S192L.
Identifiers: ClinVar variation 1023520 (VCV001023520.8), dbSNP rs777452195, ClinGen allele CA2694838.
Genomic context (GRCh38, chr3:167,792,683, plus strand): 5'-TTGATGCTGCCACTTATCTGGCCCTCATTAATGCTGTCTATTTCAAGGGGAACTGGAAGT[C>T]GCAGTTTAGGCCTGAAAATACTAGAACCTTTTCTTTCACTAAAGATGATGAAAGTGAAGT-3'
Protein context (NP_001116224.1, residues 182-202): NAVYFKGNWK[Ser192Leu]QFRPENTRTF

ClinVar aggregate classification (germline): Uncertain significance (1 of 4 stars; one submission).

Conditions:
Familial encephalopathy with neuroserpin inclusion bodies. Also called: ENCEPHALOPATHY, FAMILIAL, WITH COLLINS BODIES. Identifiers: Orphanet 85110, MedGen C1858680, MONDO:0011412, OMIM 604218.

Allele frequency attached by ClinVar (database versions not stated): gnomAD 0.00001; gnomAD exomes 0.00001; ExAC 0.00002; TOPMed 0.00002.
gnomAD v4.1: 13 of 1,613,594 alleles (0.00081%); highest among the groups gnomAD compares: East Asian, 0.0067%; no homozygotes.

Submission:

Labcorp Genetics (formerly Invitae), Labcorp
Classification: Uncertain significance for Familial encephalopathy with neuroserpin inclusion bodies. Last evaluated: 2024-02-24. Review status: criteria provided, single submitter. Criteria: Invitae Variant Classification Sherloc (09022015). Collection method: clinical testing. Allele origin: germline.
Comment: This sequence change replaces serine, which is neutral and polar, with leucine, which is neutral and non-polar, at codon 192 of the SERPINI1 protein (p.Ser192Leu). This variant is present in population databases (rs777452195, gnomAD 0.02%). This variant has not been reported in the literature in individuals affected with SERPINI1-related conditions. ClinVar contains an entry for this variant (Variation ID: 1023520). Advanced modeling of protein sequence and biophysical properties (such as structural, functional, and spatial information, amino acid conservation, physicochemical variation, residue mobility, and thermodynamic stability) performed at Invitae indicates that this missense variant is not expected to disrupt SERPINI1 protein function with a negative predictive value of 80%. In summary, the available evidence is currently insufficient to determine the role of this variant in disease. Therefore, it has been classified as a Variant of Uncertain Significance.